The following is an entry in ClinVar:

ClinVar aggregate classification (germline): Uncertain significance (1 of 4 stars; one submission).

Allele frequency attached by ClinVar (database versions not stated): TOPMed below 0.00001; gnomAD 0.00001.
gnomAD v4.1: 1 of 1,613,218 alleles (0.000062%); highest among the groups gnomAD compares: Non-Finnish European, 0.000085%; no homozygotes.

Submission:

GeneDx
Classification: Uncertain significance. Last evaluated: 2022-05-27. Review status: criteria provided, single submitter. Criteria: GeneDx Variant Classification Process June 2021. Collection method: clinical testing. Allele origin: germline. Affected: yes.
Comment: Not observed at significant frequency in large population cohorts (gnomAD); In silico analysis supports that this variant does not alter splicing; Has not been previously published as pathogenic or benign to our knowledge

NM_178335.3(CCDC50):c.459G>T (p.Gly153=)

Gene: CCDC50 (coiled-coil domain containing 50; plus strand). Cytogenetic location: 3q28.
Variant type: single nucleotide variant.
Coding change: c.459G>T on transcript NM_178335.3 (MANE Select); coding-DNA position 459, G replaced by T.
Protein change: p.Gly153=; no amino-acid change (glycine 153 retained).
Molecular consequence: synonymous variant. On other transcripts: intron variant (1).
Genome position (GRCh38, 1-based): chr3:191,375,072, G>T. VCF-style: chr3-191375072-G-T. GRCh37 (hg19) VCF-style: chr3-191092861-G-T.
Other names: c.448+5036G>T (NM_174908.4).
Identifiers: ClinVar variation 1801014 (VCV001801014.1), dbSNP rs1713047216, ClinGen allele CA437422036.
Genomic context (GRCh38, chr3:191,375,072, plus strand): 5'-ATTAAATTAATCTGCATTTTTATTTTTCACATCCCTCTGCCTCCACTCAGACCAACCAGG[G>T]TCAAGGAGGGCCAGGGAATTGGGTTCTGGATTCTCAAGACCTTGTAGACTCCAAAGAGAT-3'
Protein context (NP_848018.1, residues 143-163): SYYYEDGDQP[Gly153=]SRRARELGSG